The following is an entry in ClinVar:

ClinVar aggregate classification (germline): Uncertain significance (1 of 4 stars; one submission).

Conditions:
Li-Ghorbani-Weisz-Hubshman syndrome. Identifiers: MedGen C5436525, MONDO:0033547, OMIM 618974.

gnomAD v4.1: 5 of 1,567,454 alleles (0.00032%); highest among the groups gnomAD compares: African/African-American, 0.0071%; no homozygotes.

Submission:

Neuberg Centre For Genomic Medicine, NCGM
Classification: Uncertain significance for Li-Ghorbani-Weisz-Hubshman syndrome. Last evaluated: 2023-05-20. Review status: criteria provided, single submitter. Criteria: ACMG Guidelines, 2015. Collection method: clinical testing. Allele origin: germline. Inheritance: Autosomal dominant inheritance. Affected: yes.
Comment: The observed missense c.895G>T(p.Val299Phe) variant in KAT8 gene has not been reported previously as a pathogenic variant nor as a benign variant, to our knowledge. The p.Val299Phe variant is absent in gnomAD Exomes. This variant has not been reported to the ClinVar database. Multiple lines of computational evidence (Polyphen - probably damaging , SIFT - damaging, and MutationTaster -disease causing) predict a damaging effect on protein structure and function for this variant. The amino acid change p.Val299Phe in KAT8 is predicted as conserved by GERP++ and PhyloP across 100 vertebrates. The amino acid Val at position 299 is changed to a Phe changing protein sequence and it might alter its composition and physico-chemical properties. For these reasons, this variant has been classified as Variant of Uncertain Significance (VUS).

NM_032188.3(KAT8):c.895G>T (p.Val299Phe)

Gene: KAT8 (lysine acetyltransferase 8; plus strand). Cytogenetic location: 16p11.2.
Variant type: single nucleotide variant.
Coding change: c.895G>T on transcript NM_032188.3 (MANE Select); coding-DNA position 895, G replaced by T.
Protein change: p.Val299Phe; replaces valine 299 with phenylalanine.
Molecular consequence: missense variant.
Genome position (GRCh38, 1-based): chr16:31,130,140, G>T. VCF-style: chr16-31130140-G-T. GRCh37 (hg19) VCF-style: chr16-31141461-G-T.
Other names: c.895G>T, p.Val299Phe (NM_182958.4); short protein forms V299F.
Identifiers: ClinVar variation 3341460 (VCV003341460.1).